The following is an entry in ClinVar:

ClinVar aggregate classification (germline): Conflicting classifications of pathogenicity. Review status: criteria provided, conflicting classifications (1 of 4 stars). 2 submissions from 2 submitters: Uncertain significance (1); Likely benign (1). Last evaluated 2025-06-24.

Conditions:
Hereditary cancer-predisposing syndrome. Also called: Tumor predisposition; Hereditary neoplastic syndrome; Neoplastic Syndromes, Hereditary; Hereditary Cancer Syndrome. Identifiers: Orphanet 140162, MedGen C0027672, MeSH D009386, MONDO:0015356.

Allele frequency attached by ClinVar (database versions not stated): 1000 Genomes Project 30x 0.00016; 1000 Genomes Project 0.00020; gnomAD exomes 0.00001; ExAC 0.00002.
gnomAD v4.1: 4 of 1,613,882 alleles (0.00025%); highest among the groups gnomAD compares: South Asian, 0.0033%; no homozygotes.

Submissions (2):

Ambry Genetics
Classification: Likely benign for Hereditary cancer-predisposing syndrome. Last evaluated: 2025-06-24. Review status: criteria provided, single submitter. Criteria: Ambry Variant Classification Scheme 2023. Collection method: clinical testing. Allele origin: germline.

Labcorp Genetics (formerly Invitae), Labcorp
Classification: Uncertain significance. Last evaluated: 2024-10-23. Review status: criteria provided, single submitter. Criteria: Invitae Variant Classification Sherloc (09022015). Collection method: clinical testing. Allele origin: germline.
Comment: This sequence change replaces valine, which is neutral and non-polar, with isoleucine, which is neutral and non-polar, at codon 1394 of the POLE protein (p.Val1394Ile). This variant is present in population databases (rs559773751, gnomAD 0.007%). This variant has not been reported in the literature in individuals affected with POLE-related conditions. ClinVar contains an entry for this variant (Variation ID: 1359232). Invitae Evidence Modeling of protein sequence and biophysical properties (such as structural, functional, and spatial information, amino acid conservation, physicochemical variation, residue mobility, and thermodynamic stability) indicates that this missense variant is not expected to disrupt POLE protein function with a negative predictive value of 80%. In summary, the available evidence is currently insufficient to determine the role of this variant in disease. Therefore, it has been classified as a Variant of Uncertain Significance.

NM_006231.4(POLE):c.4180G>A (p.Val1394Ile)

Gene: POLE (DNA polymerase epsilon, catalytic subunit; minus strand). Cytogenetic location: 12q24.33.
Variant type: single nucleotide variant.
Coding change: c.4180G>A on transcript NM_006231.4 (MANE Select); coding-DNA position 4180, G replaced by A.
Protein change: p.Val1394Ile; replaces valine 1394 with isoleucine.
Molecular consequence: missense variant.
Genome position (GRCh38, 1-based): chr12:132,643,947, C>T on the plus strand (G>A on the coding strand, the complement: POLE is on the minus strand). VCF-style: chr12-132643947-C-T. GRCh37 (hg19) VCF-style: chr12-133220533-C-T.
Other names: short protein forms V1394I.
Identifiers: ClinVar variation 1359232 (VCV001359232.9), dbSNP rs559773751, ClinGen allele CA6892952.